The following is an entry in ClinVar:

ClinVar aggregate classification (germline): Conflicting classifications of pathogenicity. Review status: criteria provided, conflicting classifications (1 of 4 stars). 2 submissions from 2 submitters: Uncertain significance (1); Benign (1). Last evaluated 2026-06-24.

Conditions:
Inborn genetic diseases. Identifiers: MedGen C0950123, MeSH D030342.

Allele frequency attached by ClinVar (database versions not stated): gnomAD exomes 0.00001; gnomAD 0.00002; ExAC 0.00001; TOPMed 0.00002.
gnomAD v4.1: 10 of 1,612,820 alleles (0.00062%); highest among the groups gnomAD compares: Admixed American, 0.0083%; no homozygotes.

Submissions (2):

Ambry Genetics
Classification: Uncertain significance for Inborn genetic diseases. Last evaluated: 2026-06-24. Review status: criteria provided, single submitter. Criteria: Ambry Variant Classification Scheme 2023. Collection method: clinical testing. Allele origin: germline.
Comment: The c.1601C>T (p.T534I) alteration is located in exon 12 (coding exon 12) of the KCNQ5 gene. This alteration results from a C to T substitution at nucleotide position 1601, causing the threonine (T) at amino acid position 534 to be replaced by an isoleucine (I). Based on data from gnomAD, the T allele has an overall frequency of 0.001% (2/251444) total alleles studied. The highest observed frequency was 0.006% (2/34580) of Latino alleles. Based on insufficient or conflicting evidence, the clinical significance of this alteration remains unclear.

Labcorp Genetics (formerly Invitae), Labcorp
Classification: Benign. Last evaluated: 2024-10-22. Review status: criteria provided, single submitter. Criteria: Invitae Variant Classification Sherloc (09022015). Collection method: clinical testing. Allele origin: germline.

NM_019842.4(KCNQ5):c.1544C>T (p.Thr515Ile)

Gene: KCNQ5 (potassium voltage-gated channel subfamily Q member 5; plus strand). Cytogenetic location: 6q13.
Variant type: single nucleotide variant.
Coding change: c.1544C>T on transcript NM_019842.4 (MANE Select); coding-DNA position 1544, C replaced by T.
Protein change: p.Thr515Ile; replaces threonine 515 with isoleucine.
Molecular consequence: missense variant. On other transcripts: intron variant (1).
Genome position (GRCh38, 1-based): chr6:73,169,821, C>T. VCF-style: chr6-73169821-C-T. GRCh37 (hg19) VCF-style: chr6-73879544-C-T.
Other names: c.1517C>T, p.Thr506Ile (NM_001160130.2); c.1574C>T, p.Thr525Ile (NM_001160132.2); c.1601C>T, p.Thr534Ile (NM_001160133.2); c.1248-20752C>T (NM_001160134.2); c.1601C>T (NM_001160133.1); short protein forms T506I, T515I, T525I, T534I.
Identifiers: ClinVar variation 1415537 (VCV001415537.9), dbSNP rs763195150, ClinGen allele CA3887087.